The following is an entry in ClinVar:

ClinVar aggregate classification (germline): Likely pathogenic (1 of 4 stars; one submission).

Conditions:
Tuberous sclerosis 2 (TSC2). Identifiers: Orphanet 805, MedGen C1860707, MONDO:0013199, OMIM 613254.

Submission:

Molecular Genetics Department, Kulakov National Medical Research Center for Obstetrics, Gynecology and Perinatology
Classification: Likely pathogenic for Tuberous sclerosis 2. Last evaluated: 2023-06-12. Review status: criteria provided, single submitter. Criteria: ACMG Guidelines, 2015. Collection method: clinical testing. Allele origin: de novo. Inheritance: Autosomal dominant inheritance. Affected: yes. Observed: 1 heterozygote.
Comment: The variant is listed in the dbSNP database (rs1326276839), but has not been previously reported in an affected individual and in population databases (gnomAD).

NM_000548.5(TSC2):c.2126T>G (p.Val709Gly)

Gene: TSC2 (TSC complex subunit 2; plus strand). Cytogenetic location: 16p13.3.
Variant type: single nucleotide variant.
Coding change: c.2126T>G on transcript NM_000548.5 (MANE Select); coding-DNA position 2126, T replaced by G.
Protein change: p.Val709Gly; replaces valine 709 with glycine.
Molecular consequence: missense variant. On other transcripts: non-coding transcript variant (5).
Genome position (GRCh38, 1-based): chr16:2,072,269, T>G. VCF-style: chr16-2072269-T-G. GRCh37 (hg19) VCF-style: chr16-2122270-T-G.
Other names: c.2015T>G, p.Val672Gly (NM_001406670.1, NM_001406678.1, NM_001318827.2); c.2114T>G, p.Val705Gly (NM_001406671.1, NM_001406673.1); c.1979T>G, p.Val660Gly (NM_001406675.1, NM_001406676.1, NM_001406679.1 and 1 more transcripts); c.2069T>G, p.Val690Gly (NM_001406677.1); c.1526T>G, p.Val509Gly (NM_001406680.1, NM_001406682.1, NM_001406683.1 and 6 more transcripts); c.1664T>G, p.Val555Gly (NM_001406681.1); c.782T>G, p.Val261Gly (NM_001406689.1, NM_001406690.1, NM_001406691.1 and 6 more transcripts); c.524T>G, p.Val175Gly (NM_001406698.1); and 3 more; short protein forms V175G, V261G, V509G, V555G, V660G, V672G, V690G, V705G.
Identifiers: ClinVar variation 2504642 (VCV002504642.1), dbSNP rs1326276839, ClinGen allele CA394274803.